The following is an entry in ClinVar:

NM_001166108.2(PALLD):c.1801A>C (p.Met601Leu)

Gene: PALLD (palladin, cytoskeletal associated protein; plus strand). Cytogenetic location: 4q32.3.
Variant type: single nucleotide variant.
Coding change: c.1801A>C on transcript NM_001166108.2 (MANE Select); coding-DNA position 1801, A replaced by C.
Protein change: p.Met601Leu; replaces methionine 601 with leucine.
Molecular consequence: missense variant.
Genome position (GRCh38, 1-based): chr4:168,711,760, A>C. VCF-style: chr4-168711760-A-C. GRCh37 (hg19) VCF-style: chr4-169632911-A-C.
Other names: c.655A>C, p.Met219Leu (NM_001166109.2); c.1801A>C, p.Met601Leu (NM_016081.4); short protein forms M219L, M601L.
Identifiers: ClinVar variation 3413599 (VCV003413599.1).

ClinVar aggregate classification (germline): Uncertain significance (1 of 4 stars; one submission).

gnomAD v4.1: 1 of 1,614,140 alleles (0.000062%); highest among the groups gnomAD compares: South Asian, 0.0011%; no homozygotes.

Submission:

Ambry Genetics
Classification: Uncertain significance. Last evaluated: 2024-08-19. Review status: criteria provided, single submitter. Criteria: Ambry Variant Classification Scheme 2023. Collection method: clinical testing. Allele origin: germline.
Comment: The p.M601L variant (also known as c.1801A>C), located in coding exon 9 of the PALLD gene, results from an A to C substitution at nucleotide position 1801. The methionine at codon 601 is replaced by leucine, an amino acid with highly similar properties. This amino acid position is conserved. In addition, this alteration is predicted to be tolerated by in silico analysis. Based on the available evidence, the clinical significance of this variant remains unclear.